The following is an entry in ClinVar:

ClinVar aggregate classification (germline): Likely pathogenic (1 of 4 stars; one submission).

Conditions:
Retinitis pigmentosa 41 (RP41). Also called: RETINAL DEGENERATION, AUTOSOMAL RECESSIVE, PROMININ-RELATED. Identifiers: Orphanet 791, MedGen C2677516, MONDO:0012796, OMIM 612095.

Submission:

3billion
Classification: Likely pathogenic for Retinitis pigmentosa 41. Last evaluated: 2022-01-03. Review status: criteria provided, single submitter. Criteria: ACMG Guidelines, 2015. Collection method: clinical testing. Allele origin: germline. Affected: yes. Observed: 1 homozygote.
Comment: Canonical splice site: predicted to alter splicing and result in a loss or disruption of normal protein function through protein truncation. Multiple pathogenic variants are reported in the predicted truncated region (PVS1_VS).It is not observed in the gnomAD v2.1.1 dataset (PM2_M). Therefore, this variant is classified as likely pathogenic according to the recommendation of ACMG/AMP guideline.

NM_006017.3(PROM1):c.276+2T>C

Gene: PROM1 (prominin 1; minus strand). Cytogenetic location: 4p15.32.
Variant type: single nucleotide variant.
Coding change: c.276+2T>C on transcript NM_006017.3 (MANE Select); the canonical splice donor site of the intron after coding-DNA position 276, T replaced by C.
Molecular consequence: splice donor variant.
Genome position (GRCh38, 1-based): chr4:16,038,944, A>G on the plus strand (T>C on the coding strand, the complement: PROM1 is on the minus strand). VCF-style: chr4-16038944-A-G. GRCh37 (hg19) VCF-style: chr4-16040567-A-G.
Other names: c.276+2T>C (NM_001145848.2, NM_001145852.2, NM_001145847.2 and 6 more transcripts).
Identifiers: ClinVar variation 1333451 (VCV001333451.1), dbSNP rs2149407830, ClinGen allele CA356429948.